The following is an entry in ClinVar:

NM_001042413.2(GLIS3):c.1881T>C (p.Tyr627=)

Gene: GLIS3 (GLIS family zinc finger 3; minus strand). Cytogenetic location: 9p24.2.
Variant type: single nucleotide variant.
Coding change: c.1881T>C on transcript NM_001042413.2 (MANE Select); coding-DNA position 1881, T replaced by C.
Protein change: p.Tyr627=; no amino-acid change (tyrosine 627 retained).
Molecular consequence: synonymous variant.
Genome position (GRCh38, 1-based): chr9:3,932,462, A>G on the plus strand (T>C on the coding strand, the complement: GLIS3 is on the minus strand). VCF-style: chr9-3932462-A-G. GRCh37 (hg19) VCF-style: chr9-3932462-A-G.
Other names: c.1416T>C, p.Tyr472= (NM_152629.4).
Identifiers: ClinVar variation 366962 (VCV000366962.40), dbSNP rs141985853, ClinGen allele CA4968027.

ClinVar aggregate classification (germline): Benign. Review status: criteria provided, multiple submitters, no conflicts (2 of 4 stars). 5 submissions from 5 submitters: Benign (5). Last evaluated 2026-01-28.

Conditions:
Transitory neonatal diabetes mellitus. Also called: Transient neonatal diabetes mellitus. Identifiers: MedGen C0342273, MONDO:0020525, HP:0008255.
Neonatal diabetes mellitus with congenital hypothyroidism. Also called: NDH SYNDROME. Identifiers: Orphanet 79118, MedGen C1857775, MONDO:0012436, OMIM 610199.

Allele frequency attached by ClinVar (database versions not stated): gnomAD 0.00500 and 0.00485; TOPMed 0.00515; ESP Exome Variant Server 0.00607; 1000 Genomes Project 0.00679; 1000 Genomes Project 30x 0.00734; gnomAD exomes 0.00046 and 0.00115; ExAC 0.00151.
gnomAD v4.1: 1,436 of 1,611,634 alleles (0.089%); highest among the groups gnomAD compares: African/African-American, 1.7%; 18 homozygotes.

Submissions (5):

Labcorp Genetics (formerly Invitae), Labcorp
Classification: Benign. Last evaluated: 2026-01-28. Review status: criteria provided, single submitter. Criteria: Invitae Variant Classification Sherloc (09022015). Collection method: clinical testing. Allele origin: germline.

CeGaT Center for Human Genetics Tuebingen
Classification: Benign. Last evaluated: 2022-07-01. Review status: criteria provided, single submitter. Criteria: CeGaT Center For Human Genetics Tuebingen Variant Classification Criteria Version 2. Collection method: clinical testing. Allele origin: germline. Affected: yes. Observed: 1 variant allele.
Comment: GLIS3: BP4, BP7, BS1, BS2

Illumina Laboratory Services, Illumina
Classification: Benign for Neonatal diabetes mellitus with congenital hypothyroidism. Last evaluated: 2018-01-13. Review status: criteria provided, single submitter. Criteria: ICSL Variant Classification Criteria 13 December 2019. Collection method: clinical testing. Allele origin: germline.
Comment: This variant was observed in the ICSL laboratory as part of a predisposition screen in an ostensibly healthy population. It had not been previously curated by ICSL or reported in the Human Gene Mutation Database (HGMD: prior to June 1st, 2018), and was therefore a candidate for classification through an automated scoring system. Utilizing variant allele frequency, disease prevalence and penetrance estimates, and inheritance mode, an automated score was calculated to assess if this variant is too frequent to cause the disease. Based on the score and internal cut-off values, a variant classified as benign is not then subjected to further curation. The score for this variant resulted in a classification of benign for this disease.

Breakthrough Genomics
Classification: Benign. Review status: criteria provided, single submitter. Criteria: ACMG Guidelines, 2015. Collection method: not provided. Allele origin: germline. Inheritance: Autosomal recessive inheritance. Affected: yes.

Clinical Genomics, Uppaluri K&H Personalized Medicine Clinic
Classification: Benign for Transitory neonatal diabetes mellitus. Review status: criteria provided, single submitter. Criteria: K & H Uppaluri Personalized Medicine Clinic Variant Classification & Assertion Criteria_Updated V.1. Collection method: research. Allele origin: unknown.
Comment: Potent mutations in GLIS3 predisposes to neonatal diabetes mellitus with an extra pancreatic manifestation of hypothyroidism. It also predisposes to early onset diabetes in adults.However no sufficient evidence is found to ascertain the role of this particular variant rs141985853, yet.

Literature cited by the submitters: PubMed 32693112 (cited by Clinical Genomics, Uppaluri K&H Personalized Medicine Clinic); PubMed 27899417 (cited by Clinical Genomics, Uppaluri K&H Personalized Medicine Clinic); PubMed 29992946 (cited by Clinical Genomics, Uppaluri K&H Personalized Medicine Clinic); PubMed 35394098 (cited by Clinical Genomics, Uppaluri K&H Personalized Medicine Clinic); PubMed 29146476 (cited by Clinical Genomics, Uppaluri K&H Personalized Medicine Clinic).